The following is an entry in ClinVar:

NM_001166114.2(PNPLA6):c.2337dup (p.Val780fs)

Gene: PNPLA6 (patatin like domain 6, lysophospholipase; plus strand). Cytogenetic location: 19p13.2.
Variant type: Duplication.
Coding change: c.2337dup on transcript NM_001166114.2 (MANE Select); coding-DNA position 2337, one base duplicated (T; older notation c.2337dupT).
Protein change: p.Val780fs; shifts the reading frame from valine 780.
Molecular consequence: frameshift variant.
Genome position (GRCh38, 1-based): chr19:7,553,951, T duplicated. VCF-style (leftmost placement, unchanged base first): chr19-7553950-C-CT. GRCh37 (hg19) VCF-style: chr19-7618836-C-CT.
Other names: c.2367dup, p.Val790fs (NM_001166111.2); c.2142dup, p.Val715fs (NM_001166112.2); c.2223dup, p.Val742fs (NM_001166113.1, NM_006702.5); short protein forms V780fs, V790fs, V742fs, V715fs.
Identifiers: ClinVar variation 817753 (VCV000817753.2), dbSNP rs757382473, ClinGen allele CA9140063.
Genomic context (GRCh38, chr19:7,553,950, plus strand): 5'-TGCCCCCACACTCGGAACTCACCAACCCAGCCAGCAACCTGGCAACTGTGGCAATCCTGC[C>CT]TGTGTGTGCTGAGGTCCCCATGGTGGCCTTCACGCTGGAGCTGCAGCACGCCCTGCAGGC-3'

ClinVar aggregate classification (germline): Pathogenic/Likely pathogenic. Review status: criteria provided, multiple submitters, no conflicts (2 of 4 stars). 2 submissions from 2 submitters: Pathogenic (1); Likely pathogenic (1). Last evaluated 2021-12-26.

Conditions:
PNPLA6-related disorder. Also called: PNPLA6-related disorders; PNPLA6-related condition.

Allele frequency attached by ClinVar (database versions not stated): gnomAD exomes below 0.00001; ExAC 0.00001; gnomAD 0.00001.

Submissions (2):

Blueprint Genetics
Classification: Likely pathogenic for PNPLA6-related disorders. Last evaluated: 2021-12-26. Review status: criteria provided, single submitter. Criteria: ACMG Guidelines, 2015. Collection method: clinical testing. Allele origin: germline. Affected: yes. Observed: 2 variant alleles.

GeneDx
Classification: Pathogenic. Last evaluated: 2018-08-08. Review status: criteria provided, single submitter. Criteria: GeneDx Variant Classification (06012015). Collection method: clinical testing. Allele origin: germline. Affected: yes.
Comment: The c.2223dupT variant in the PNPLA6 gene has not been reported previously as a pathogenic variant nor as a benign variant, to our knowledge. This variant causes a frameshift starting with codon Valine 742, changes this amino acid to a Cysteine residue, and creates a premature Stop codon at position 4 of the new reading frame, denoted p.Val742CysfsX4. The c.2223dupT variant is predicted to cause loss of normal protein function either through protein truncation or nonsense-mediated mRNA decay. This variant is not observed at a significant frequency in large population cohorts (Lek et al., 2016). We interpret c.2223dupT as a pathogenic variant.